The following is an entry in ClinVar:

NM_005612.5(REST):c.656A>G (p.Asp219Gly)

Gene: REST (RE1 silencing transcription factor; plus strand). Cytogenetic location: 4q12.
Variant type: single nucleotide variant.
Coding change: c.656A>G on transcript NM_005612.5 (MANE Select); coding-DNA position 656, A replaced by G.
Protein change: p.Asp219Gly; replaces aspartic acid 219 with glycine.
Molecular consequence: missense variant.
Genome position (GRCh38, 1-based): chr4:56,911,294, A>G. VCF-style: chr4-56911294-A-G. GRCh37 (hg19) VCF-style: chr4-57777460-A-G.
Other names: c.656A>G, p.Asp219Gly (NM_001193508.2, NM_001363453.3, NM_001440532.1 and 1 more transcripts); short protein forms D219G.
Identifiers: ClinVar variation 4759790 (VCV004759790.1).

ClinVar aggregate classification (germline): Uncertain significance (1 of 4 stars; one submission).

Submission:

Labcorp Genetics (formerly Invitae), Labcorp
Classification: Uncertain significance. Last evaluated: 2025-05-07. Review status: criteria provided, single submitter. Criteria: Invitae Variant Classification Sherloc (09022015). Collection method: clinical testing. Allele origin: germline.
Comment: This sequence change replaces aspartic acid, which is acidic and polar, with glycine, which is neutral and non-polar, at codon 219 of the REST protein (p.Asp219Gly). This variant is not present in population databases (gnomAD no frequency). This variant has not been reported in the literature in individuals affected with REST-related conditions. An algorithm developed to predict the effect of missense changes on protein structure and function (PolyPhen-2) suggests that this variant is likely to be disruptive. In summary, the available evidence is currently insufficient to determine the role of this variant in disease. Therefore, it has been classified as a Variant of Uncertain Significance.